The following is an entry in ClinVar:

NM_021930.6(RINT1):c.1694C>G (p.Ala565Gly)

Gene: RINT1 (RAD50 interactor 1; plus strand). Cytogenetic location: 7q22.3.
Variant type: single nucleotide variant.
Coding change: c.1694C>G on transcript NM_021930.6 (MANE Select); coding-DNA position 1694, C replaced by G.
Protein change: p.Ala565Gly; replaces alanine 565 with glycine.
Molecular consequence: missense variant. On other transcripts: non-coding transcript variant (1).
Genome position (GRCh38, 1-based): chr7:105,563,755, C>G. VCF-style: chr7-105563755-C-G. GRCh37 (hg19) VCF-style: chr7-105204202-C-G.
Other names: c.1460C>G, p.Ala487Gly (NM_001346599.2); c.671C>G, p.Ala224Gly (NM_001346600.2, NM_001346603.2); c.770C>G, p.Ala257Gly (NM_001346601.2); short protein forms A487G, A565G, A224G, A257G.
Identifiers: ClinVar variation 1778199 (VCV001778199.2), dbSNP rs1791554104, ClinGen allele CA368813517.

ClinVar aggregate classification (germline): Uncertain significance (1 of 4 stars; one submission).

Submission:

Ambry Genetics
Classification: Uncertain significance. Last evaluated: 2022-03-25. Review status: criteria provided, single submitter. Criteria: Ambry Variant Classification Scheme 2023. Collection method: clinical testing. Allele origin: germline.
Comment: The p.A565G variant (also known as c.1694C>G), located in coding exon 12 of the RINT1 gene, results from a C to G substitution at nucleotide position 1694. The alanine at codon 565 is replaced by glycine, an amino acid with similar properties. This amino acid position is conserved. In addition, the in silico prediction for this alteration is inconclusive. Since supporting evidence is limited at this time, the clinical significance of this alteration remains unclear.